The following is an entry in ClinVar:

NM_207361.6(FREM2):c.*1041C>T

Gene: FREM2 (FRAS1 related extracellular matrix 2; plus strand). Cytogenetic location: 13q13.3.
Variant type: single nucleotide variant.
Coding change: c.*1041C>T on transcript NM_207361.6 (MANE Select); 1041 bases downstream of the stop codon, C replaced by T.
Molecular consequence: 3 prime UTR variant.
Genome position (GRCh38, 1-based): chr13:38,881,828, C>T. VCF-style: chr13-38881828-C-T. GRCh37 (hg19) VCF-style: chr13-39455965-C-T.
Identifiers: ClinVar variation 312047 (VCV000312047.6), dbSNP rs9548521, ClinGen allele CA10639500.

ClinVar aggregate classification (germline): Benign. Review status: criteria provided, multiple submitters, no conflicts (2 of 4 stars). 2 submissions from 2 submitters: Benign (2). Last evaluated 2018-01-13.

Conditions:
Fraser syndrome 2 (FRASRS2). Identifiers: MedGen C4540036, MONDO:0054738, OMIM 617666.

Allele frequency attached by ClinVar (database versions not stated): 1000 Genomes Project 0.06749; 1000 Genomes Project 30x 0.07011; gnomAD 0.07524 and 0.07675; TOPMed 0.08532; gnomAD exomes 0.10714.
gnomAD v4.1: 11,700 of 152,252 alleles (7.7%); highest among the groups gnomAD compares: Admixed American, 20%; 781 homozygotes.

Submissions (2):

Illumina Laboratory Services, Illumina
Classification: Benign for Fraser syndrome 2. Last evaluated: 2018-01-13. Review status: criteria provided, single submitter. Criteria: ICSL Variant Classification Criteria 13 December 2019. Collection method: clinical testing. Allele origin: germline.
Comment: This variant was observed in the ICSL laboratory as part of a predisposition screen in an ostensibly healthy population. It had not been previously curated by ICSL or reported in the Human Gene Mutation Database (HGMD: prior to June 1st, 2018), and was therefore a candidate for classification through an automated scoring system. Utilizing variant allele frequency, disease prevalence and penetrance estimates, and inheritance mode, an automated score was calculated to assess if this variant is too frequent to cause the disease. Based on the score and internal cut-off values, a variant classified as benign is not then subjected to further curation. The score for this variant resulted in a classification of benign for this disease.

Breakthrough Genomics
Classification: Benign. Review status: criteria provided, single submitter. Criteria: ACMG Guidelines, 2015. Collection method: not provided. Allele origin: germline. Inheritance: Autosomal recessive inheritance. Affected: yes.